The following is an entry in ClinVar:

ClinVar aggregate classification (germline): Uncertain significance (1 of 4 stars; one submission).

Submission:

Ambry Genetics
Classification: Uncertain significance. Last evaluated: 2025-12-24. Review status: criteria provided, single submitter. Criteria: Ambry Variant Classification Scheme 2023. Collection method: clinical testing. Allele origin: germline.
Comment: The c.6950A>G (p.K2317R) alteration is located in exon 7 (coding exon 7) of the AHNAK2 gene. This alteration results from a A to G substitution at nucleotide position 6950, causing the lysine (K) at amino acid position 2317 to be replaced by an arginine (R). Based on data from gnomAD, the G allele has an overall frequency of 0.008% (23/279770) total alleles studied. The highest observed frequency was 0.063% (15/23736) of African alleles. Based on insufficient or conflicting evidence, the clinical significance of this alteration remains unclear.

NM_138420.4(AHNAK2):c.6950A>G (p.Lys2317Arg)

Gene: AHNAK2 (AHNAK nucleoprotein 2; minus strand). Cytogenetic location: 14q32.33.
Variant type: single nucleotide variant.
Coding change: c.6950A>G on transcript NM_138420.4 (MANE Select); coding-DNA position 6950, A replaced by G.
Protein change: p.Lys2317Arg; replaces lysine 2317 with arginine.
Molecular consequence: missense variant.
Genome position (GRCh38, 1-based): chr14:104,948,501, T>C on the plus strand (A>G on the coding strand, the complement: AHNAK2 is on the minus strand). VCF-style: chr14-104948501-T-C. GRCh37 (hg19) VCF-style: chr14-105414838-T-C.
Other names: c.6650A>G, p.Lys2217Arg (NM_001350929.2); short protein forms K2217R, K2317R.
Identifiers: ClinVar variation 4828426 (VCV004828426.1).